The following is an entry in ClinVar:

NM_000411.8(HLCS):c.-433C>T

Genes: HLCS (holocarboxylase synthetase; minus strand), LOC130066639 (ATAC-STARR-seq lymphoblastoid silent region 13293; plus strand). Cytogenetic location: 21q22.13.
Variant type: single nucleotide variant.
Coding change: c.-433C>T on transcript NM_000411.8; 433 bases upstream of the start codon, C replaced by T.
Molecular consequence: 5 prime UTR variant. On other transcripts: non-coding transcript variant (1).
Genome position (GRCh38, 1-based): chr21:36,990,198, G>A on the plus strand (C>T on the coding strand, the complement: HLCS is on the minus strand). VCF-style: chr21-36990198-G-A. GRCh37 (hg19) VCF-style: chr21-38362498-G-A.
Other names: NC_000021.8:g.38362498G>A; c.-287C>T (NM_001352515.2).
Identifiers: ClinVar variation 339982 (VCV000339982.12), dbSNP rs115711809, ClinGen allele CA10653625.

ClinVar aggregate classification (germline): Benign. Review status: criteria provided, multiple submitters, no conflicts (2 of 4 stars). 3 submissions from 3 submitters: Benign (3). Last evaluated 2018-06-29.

Conditions:
Holocarboxylase synthetase deficiency. Also called: MULTIPLE CARBOXYLASE DEFICIENCY, EARLY ONSET. Identifiers: Orphanet 79242, MedGen C0268581, MONDO:0009666, OMIM 253270.

Allele frequency attached by ClinVar (database versions not stated): TOPMed 0.24539; 1000 Genomes Project 30x 0.25344; gnomAD exomes 0.14634; 1000 Genomes Project 0.25499; gnomAD 0.25654 and 0.25319.

Submissions (4):

GeneDx
Classification: Benign. Last evaluated: 2018-06-29. Review status: criteria provided, single submitter. Criteria: GeneDx Variant Classification Process June 2021. Collection method: clinical testing. Allele origin: germline. Affected: yes.

Illumina Laboratory Services, Illumina
Classification: Benign for Holocarboxylase synthetase deficiency. Last evaluated: 2018-01-13. Review status: criteria provided, single submitter. Criteria: ICSL Variant Classification Criteria 13 December 2019. Collection method: clinical testing. Allele origin: germline.
Comment: This variant was observed in the ICSL laboratory as part of a predisposition screen in an ostensibly healthy population. It had not been previously curated by ICSL or reported in the Human Gene Mutation Database (HGMD: prior to June 1st, 2018), and was therefore a candidate for classification through an automated scoring system. Utilizing variant allele frequency, disease prevalence and penetrance estimates, and inheritance mode, an automated score was calculated to assess if this variant is too frequent to cause the disease. Based on the score and internal cut-off values, a variant classified as benign is not then subjected to further curation. The score for this variant resulted in a classification of benign for this disease.

Breakthrough Genomics
Classification: Benign. Review status: criteria provided, single submitter. Criteria: ACMG Guidelines, 2015. Collection method: not provided. Allele origin: germline. Inheritance: Autosomal recessive inheritance. Affected: yes.

Dr. Peter K. Rogan Lab, Western University
No classification provided (evidence only). Condition: Lung cancer. Review status: no classification provided. Collection method: in vitro. Allele origin: not applicable. Functional consequence: retained intron. Not counted in ClinVar's aggregate classification.